The following is an entry in ClinVar:

NM_031229.4(RBCK1):c.956C>T (p.Ala319Val)

Gene: RBCK1 (RANBP2-type and C3HC4-type zinc finger containing 1; plus strand). Cytogenetic location: 20p13.
Variant type: single nucleotide variant.
Coding change: c.956C>T on transcript NM_031229.4 (MANE Select); coding-DNA position 956, C replaced by T.
Protein change: p.Ala319Val; replaces alanine 319 with valine.
Molecular consequence: missense variant. On other transcripts: non-coding transcript variant (1).
Genome position (GRCh38, 1-based): chr20:422,165, C>T. VCF-style: chr20-422165-C-T. GRCh37 (hg19) VCF-style: chr20-402809-C-T.
Other names: c.446C>T, p.Ala149Val (NM_001323956.2, NM_001323958.2); c.830C>T, p.Ala277Val (NM_006462.6); short protein forms A319V, A149V, A277V.
Identifiers: ClinVar variation 658539 (VCV000658539.6), dbSNP rs1199811720, ClinGen allele CA407930505.
Genomic context (GRCh38, chr20:422,165, plus strand): 5'-CTTTTCCCCTCCCCTCCCCTAGGGAGTGCCTGCAGGGCACCATCCGCAACAGCCAGGAGG[C>T]GGAGGTCTCCTGCCCCTTCATTGACAACACCTACTCGTGCTCGGGCAAGCTGCTGGAGAG-3'
Protein context (NP_112506.2, residues 309-329): LQGTIRNSQE[Ala319Val]EVSCPFIDNT

ClinVar aggregate classification (germline): Uncertain significance (1 of 4 stars; one submission).

Conditions:
Polyglucosan body myopathy type 1 (PGBM1). Also called: Polyglucosan body myopathy 1 with or without immunodeficiency; POLYGLUCOSAN BODY MYOPATHY WITHOUT IMMUNODEFICIENCY. Identifiers: Orphanet 329173, Orphanet 397937, MedGen C4014605, MONDO:0014389, OMIM 615895.

Allele frequency attached by ClinVar (database versions not stated): gnomAD exomes 0.00002 and 0.00003; TOPMed 0.00003; gnomAD 0.00005 and 0.00006; 1000 Genomes Project 30x 0.00016.
gnomAD v4.1: 55 of 1,612,984 alleles (0.0034%); highest among the groups gnomAD compares: Non-Finnish European, 0.0038%; no homozygotes.

Submission:

Labcorp Genetics (formerly Invitae), Labcorp
Classification: Uncertain significance for Polyglucosan body myopathy type 1. Last evaluated: 2022-05-10. Review status: criteria provided, single submitter. Criteria: Invitae Variant Classification Sherloc (09022015). Collection method: clinical testing. Allele origin: germline.
Comment: This sequence change replaces alanine, which is neutral and non-polar, with valine, which is neutral and non-polar, at codon 319 of the RBCK1 protein (p.Ala319Val). This variant is present in population databases (no rsID available, gnomAD 0.005%). This variant has not been reported in the literature in individuals affected with RBCK1-related conditions. ClinVar contains an entry for this variant (Variation ID: 658539). Algorithms developed to predict the effect of missense changes on protein structure and function are either unavailable or do not agree on the potential impact of this missense change (SIFT: "Not Available"; PolyPhen-2: "Benign"; Align-GVGD: "Not Available"). In summary, the available evidence is currently insufficient to determine the role of this variant in disease. Therefore, it has been classified as a Variant of Uncertain Significance.